The following is an entry in ClinVar:

NM_020699.4(GATAD2B):c.1232C>G (p.Ser411Ter)

Gene: GATAD2B (GATA zinc finger domain containing 2B; minus strand). Cytogenetic location: 1q21.3.
Variant type: single nucleotide variant.
Coding change: c.1232C>G on transcript NM_020699.4 (MANE Select); coding-DNA position 1232, C replaced by G.
Protein change: p.Ser411Ter; replaces serine 411 with a stop codon.
Molecular consequence: nonsense.
Genome position (GRCh38, 1-based): chr1:153,813,437, G>C on the plus strand (C>G on the coding strand, the complement: GATAD2B is on the minus strand). VCF-style: chr1-153813437-G-C. GRCh37 (hg19) VCF-style: chr1-153785913-G-C.
Other names: short protein forms S411*.
Identifiers: ClinVar variation 4028576 (VCV004028576.1).

ClinVar aggregate classification (germline): Pathogenic (1 of 4 stars; one submission).

Conditions:
Inborn genetic diseases. Identifiers: MedGen C0950123, MeSH D030342.

Submission:

Ambry Genetics
Classification: Pathogenic for Inborn genetic diseases. Last evaluated: 2025-05-13. Review status: criteria provided, single submitter. Criteria: Ambry Variant Classification Scheme 2023. Collection method: clinical testing. Allele origin: germline.
Comment: The c.1232C>G (p.S411*) alteration, located in exon 8 (coding exon 7) of the GATAD2B gene, consists of a C to G substitution at nucleotide position 1232. This changes the amino acid from a serine (S) to a stop codon at amino acid position 411. This alteration is expected to result in loss of function by premature protein truncation or nonsense-mediated mRNA decay. This variant was not reported in population-based cohorts in the Genome Aggregation Database (gnomAD). Based on the available evidence, this alteration is classified as pathogenic.